The following is an entry in ClinVar:

NM_002474.3(MYH11):c.1942G>A (p.Gly648Ser)

Gene: MYH11 (myosin heavy chain 11; minus strand). Cytogenetic location: 16p13.11.
Variant type: single nucleotide variant.
Coding change: c.1942G>A on transcript NM_002474.3 (MANE Select); coding-DNA position 1942, G replaced by A.
Protein change: p.Gly648Ser; replaces glycine 648 with serine.
Molecular consequence: missense variant.
Genome position (GRCh38, 1-based): chr16:15,750,254, C>T on the plus strand (G>A on the coding strand, the complement: MYH11 is on the minus strand). VCF-style: chr16-15750254-C-T. GRCh37 (hg19) VCF-style: chr16-15844111-C-T.
Other names: c.1963G>A, p.Gly655Ser (NM_001040113.2, NM_001040114.2); c.1942G>A, p.Gly648Ser (NM_022844.3); short protein forms G648S, G655S.
Identifiers: ClinVar variation 3688819 (VCV003688819.2).

ClinVar aggregate classification (germline): Uncertain significance (1 of 4 stars; one submission).

Conditions:
Aortic aneurysm, familial thoracic 4 (AAT4). Also called: AORTIC ANEURYSM/AORTIC DISSECTION AND PATENT DUCTUS ARTERIOSUS. Identifiers: MedGen C1851504, MONDO:0007568, OMIM 132900.

Submission:

Labcorp Genetics (formerly Invitae), Labcorp
Classification: Uncertain significance for Aortic aneurysm, familial thoracic 4. Last evaluated: 2024-06-03. Review status: criteria provided, single submitter. Criteria: Invitae Variant Classification Sherloc (09022015). Collection method: clinical testing. Allele origin: germline.
Comment: This sequence change replaces glycine, which is neutral and non-polar, with serine, which is neutral and polar, at codon 655 of the MYH11 protein (p.Gly655Ser). This variant is not present in population databases (gnomAD no frequency). This variant has not been reported in the literature in individuals affected with MYH11-related conditions. Advanced modeling of protein sequence and biophysical properties (such as structural, functional, and spatial information, amino acid conservation, physicochemical variation, residue mobility, and thermodynamic stability) performed at Invitae indicates that this missense variant is not expected to disrupt MYH11 protein function with a negative predictive value of 95%. In summary, the available evidence is currently insufficient to determine the role of this variant in disease. Therefore, it has been classified as a Variant of Uncertain Significance.